The following is an entry in ClinVar:

NM_001370259.2(MEN1):c.1139C>G (p.Ala380Gly)

Gene: MEN1 (menin 1; minus strand). Cytogenetic location: 11q13.1.
Variant type: single nucleotide variant.
Coding change: c.1139C>G on transcript NM_001370259.2 (MANE Select); coding-DNA position 1139, C replaced by G.
Protein change: p.Ala380Gly; replaces alanine 380 with glycine.
Molecular consequence: missense variant.
Genome position (GRCh38, 1-based): chr11:64,805,681, G>C on the plus strand (C>G on the coding strand, the complement: MEN1 is on the minus strand). VCF-style: chr11-64805681-G-C. GRCh37 (hg19) VCF-style: chr11-64573153-G-C.
Other names: c.1154C>G, p.Ala385Gly (NM_000244.4, NM_130801.3, NM_130802.3 and 3 more transcripts); c.1265C>G, p.Ala422Gly (NM_001370251.2); c.1139C>G, p.Ala380Gly (NM_001370260.2, NM_001370261.2, NM_130799.3); c.1034C>G, p.Ala345Gly (NM_001370262.2, NM_001370263.2); short protein forms A380G, A385G, A345G, A422G.
Identifiers: ClinVar variation 573982 (VCV000573982.10), dbSNP rs1565642307, ClinGen allele CA381182349.

ClinVar aggregate classification (germline): Uncertain significance (1 of 4 stars; one submission).

Conditions:
Multiple endocrine neoplasia, type 1 (MEN1). Also called: WERMER SYNDROME; Endocrine adenomatosis multiple; MEN 1; MEA I; MEN I. Identifiers: Orphanet 652, MedGen C0025267, MeSH D018761, MONDO:0007540, OMIM 131100.

Submission:

Labcorp Genetics (formerly Invitae), Labcorp
Classification: Uncertain significance for Multiple endocrine neoplasia, type 1. Last evaluated: 2019-06-12. Review status: criteria provided, single submitter. Criteria: Invitae Variant Classification Sherloc (09022015). Collection method: clinical testing. Allele origin: germline.
Comment: In summary, the available evidence is currently insufficient to determine the role of this variant in disease. Therefore, it has been classified as a Variant of Uncertain Significance. Algorithms developed to predict the effect of missense changes on protein structure and function do not agree on the potential impact of this missense change (SIFT: "Deleterious"; PolyPhen-2: "Benign"; Align-GVGD: "Class C0"). This variant has not been reported in the literature in individuals with MEN1-related disease. This variant is not present in population databases (ExAC no frequency). This sequence change replaces alanine with glycine at codon 380 of the MEN1 protein (p.Ala380Gly). The alanine residue is moderately conserved and there is a small physicochemical difference between alanine and glycine.